The following is an entry in ClinVar:

NM_014314.4(RIGI):c.734A>G (p.Asn245Ser)

Gene: RIGI (RNA sensor RIG-I; minus strand). Cytogenetic location: 9p21.1.
Variant type: single nucleotide variant.
Coding change: c.734A>G on transcript NM_014314.4 (MANE Select); coding-DNA position 734, A replaced by G.
Protein change: p.Asn245Ser; replaces asparagine 245 with serine.
Molecular consequence: missense variant.
Genome position (GRCh38, 1-based): chr9:32,489,409, T>C on the plus strand (A>G on the coding strand, the complement: RIGI is on the minus strand). VCF-style: chr9-32489409-T-C. GRCh37 (hg19) VCF-style: chr9-32489407-T-C.
Other names: p.Asn245Ser; short protein forms N245S.
Identifiers: ClinVar variation 719465 (VCV000719465.14), dbSNP rs141808660, ClinGen allele CA5019997.

ClinVar aggregate classification (germline): Benign/Likely benign. Review status: criteria provided, multiple submitters, no conflicts (2 of 4 stars). 4 submissions from 4 submitters: Benign (2); Likely benign (2). Last evaluated 2026-02-01.

Conditions:
Singleton-Merten syndrome 2 (SGMRT2). Identifiers: Orphanet 85191, MedGen C4225380, MONDO:0014575, OMIM 616298.

Allele frequency attached by ClinVar (database versions not stated): gnomAD exomes 0.00078 and 0.00180; ExAC 0.00221; 1000 Genomes Project 0.00639; gnomAD 0.00656 and 0.00693; TOPMed 0.00725; 1000 Genomes Project 30x 0.00734; ESP Exome Variant Server 0.00807.
gnomAD v4.1: 2,185 of 1,613,570 alleles (0.14%); highest among the groups gnomAD compares: African/African-American, 2.1%; 12 homozygotes.

Submissions (4):

Labcorp Genetics (formerly Invitae), Labcorp
Classification: Benign. Last evaluated: 2026-02-01. Review status: criteria provided, single submitter. Criteria: Invitae Variant Classification Sherloc (09022015). Collection method: clinical testing. Allele origin: germline.

Blueprint Genetics
Classification: Likely benign. Last evaluated: 2024-11-22. Review status: criteria provided, single submitter. Criteria: ACMG Guidelines, 2015. Collection method: clinical testing. Allele origin: germline.

Mayo Clinic Laboratories, Mayo Clinic
Classification: Benign. Last evaluated: 2024-02-15. Review status: criteria provided, single submitter. Criteria: ACMG Guidelines, 2015. Collection method: clinical testing. Allele origin: germline. Observed: 2 variant alleles.
Comment: BS1, BS2, BP4

Fulgent Genetics
Classification: Likely benign for Singleton-Merten syndrome 2. Last evaluated: 2021-08-24. Review status: criteria provided, single submitter. Criteria: ACMG Guidelines, 2015. Collection method: clinical testing. Allele origin: unknown.